The following is an entry in ClinVar:

NM_000337.6(SGCD):c.356C>T (p.Thr119Ile)

Gene: SGCD (sarcoglycan delta; plus strand). Cytogenetic location: 5q33.3.
Variant type: single nucleotide variant.
Coding change: c.356C>T on transcript NM_000337.6 (MANE Select); coding-DNA position 356, C replaced by T.
Protein change: p.Thr119Ile; replaces threonine 119 with isoleucine.
Molecular consequence: missense variant.
Genome position (GRCh38, 1-based): chr5:156,589,292, C>T. VCF-style: chr5-156589292-C-T. GRCh37 (hg19) VCF-style: chr5-156016302-C-T.
Other names: c.353C>T, p.Thr118Ile (NM_001128209.2); c.356C>T, p.Thr119Ile (NM_172244.3); short protein forms T118I, T119I.
Identifiers: ClinVar variation 1504414 (VCV001504414.3), dbSNP rs1581216333, ClinGen allele CA362008703.

ClinVar aggregate classification (germline): Uncertain significance (1 of 4 stars; one submission).

Conditions:
Autosomal recessive limb-girdle muscular dystrophy type 2F (LGMDR6). Also called: Muscular dystrophy limb-girdle with delta-sarcoglyan deficiency; MUSCULAR DYSTROPHY, LIMB-GIRDLE, AUTOSOMAL RECESSIVE 6. Identifiers: Orphanet 219, MedGen C1832525, MONDO:0011028, OMIM 601287. Disease mechanism: Affects gamma-sarcoglycan and also disrupts the integrity of the entire sarcoglycan complex..

Submission:

Labcorp Genetics (formerly Invitae), Labcorp
Classification: Uncertain significance for Autosomal recessive limb-girdle muscular dystrophy type 2F. Last evaluated: 2022-07-12. Review status: criteria provided, single submitter. Criteria: Invitae Variant Classification Sherloc (09022015). Collection method: clinical testing. Allele origin: germline.
Comment: This sequence change replaces threonine, which is neutral and polar, with isoleucine, which is neutral and non-polar, at codon 119 of the SGCD protein (p.Thr119Ile). This variant is not present in population databases (gnomAD no frequency). This variant has not been reported in the literature in individuals affected with SGCD-related conditions. ClinVar contains an entry for this variant (Variation ID: 1504414). Algorithms developed to predict the effect of missense changes on protein structure and function (SIFT, PolyPhen-2, Align-GVGD) all suggest that this variant is likely to be tolerated. In summary, the available evidence is currently insufficient to determine the role of this variant in disease. Therefore, it has been classified as a Variant of Uncertain Significance.